The following is an entry in ClinVar:

NM_002979.5(SCP2):c.1125A>C (p.Glu375Asp)

Gene: SCP2 (sterol carrier protein 2; plus strand). Cytogenetic location: 1p32.3.
Variant type: single nucleotide variant.
Coding change: c.1125A>C on transcript NM_002979.5 (MANE Select); coding-DNA position 1125, A replaced by C.
Protein change: p.Glu375Asp; replaces glutamic acid 375 with aspartic acid.
Molecular consequence: missense variant.
Genome position (GRCh38, 1-based): chr1:53,014,933, A>C. VCF-style: chr1-53014933-A-C. GRCh37 (hg19) VCF-style: chr1-53480605-A-C.
Other names: c.1053A>C, p.Glu351Asp (NM_001193599.2); c.993A>C, p.Glu331Asp (NM_001193600.2); c.882A>C, p.Glu294Asp (NM_001193617.2); short protein forms E331D, E351D, E375D, E294D.
Identifiers: ClinVar variation 1476173 (VCV001476173.6), dbSNP rs771295169, ClinGen allele CA857339.

ClinVar aggregate classification (germline): Uncertain significance (1 of 4 stars; one submission).

Allele frequency attached by ClinVar (database versions not stated): gnomAD exomes below 0.00001 and 0.00001; ExAC 0.00001; gnomAD 0.00001.
gnomAD v4.1: 12 of 1,613,732 alleles (0.00074%); highest among the groups gnomAD compares: South Asian, 0.013%; no homozygotes.

Submission:

Labcorp Genetics (formerly Invitae), Labcorp
Classification: Uncertain significance. Last evaluated: 2022-08-16. Review status: criteria provided, single submitter. Criteria: Invitae Variant Classification Sherloc (09022015). Collection method: clinical testing. Allele origin: germline.
Comment: In summary, the available evidence is currently insufficient to determine the role of this variant in disease. Therefore, it has been classified as a Variant of Uncertain Significance. Algorithms developed to predict the effect of missense changes on protein structure and function are either unavailable or do not agree on the potential impact of this missense change (SIFT: "Tolerated"; PolyPhen-2: "Possibly Damaging"; Align-GVGD: "Class C0"). ClinVar contains an entry for this variant (Variation ID: 1476173). This variant has not been reported in the literature in individuals affected with SCP2-related conditions. This variant is present in population databases (rs771295169, gnomAD 0.003%). This sequence change replaces glutamic acid, which is acidic and polar, with aspartic acid, which is acidic and polar, at codon 375 of the SCP2 protein (p.Glu375Asp).